The following is an entry in ClinVar:

ClinVar aggregate classification (germline): Uncertain significance (1 of 4 stars; one submission).

Conditions:
Tuberous sclerosis 2 (TSC2). Identifiers: Orphanet 805, MedGen C1860707, MONDO:0013199, OMIM 613254.

Submission:

Labcorp Genetics (formerly Invitae), Labcorp
Classification: Uncertain significance for Tuberous sclerosis 2. Last evaluated: 2025-11-23. Review status: criteria provided, single submitter. Criteria: Invitae Variant Classification Sherloc (09022015). Collection method: clinical testing. Allele origin: germline.
Comment: This sequence change replaces aspartic acid, which is acidic and polar, with glutamic acid, which is acidic and polar, at codon 1406 of the TSC2 protein (p.Asp1406Glu). This variant is not present in population databases (gnomAD no frequency). This variant has not been reported in the literature in individuals affected with TSC2-related conditions. Invitae Evidence Modeling of protein sequence and biophysical properties (such as structural, functional, and spatial information, amino acid conservation, physicochemical variation, residue mobility, and thermodynamic stability) indicates that this missense variant is not expected to disrupt TSC2 protein function with a negative predictive value of 95%. In summary, the available evidence is currently insufficient to determine the role of this variant in disease. Therefore, it has been classified as a Variant of Uncertain Significance.

NM_000548.5(TSC2):c.4218C>A (p.Asp1406Glu)

Gene: TSC2 (TSC complex subunit 2; plus strand). Cytogenetic location: 16p13.3.
Variant type: single nucleotide variant.
Coding change: c.4218C>A on transcript NM_000548.5 (MANE Select); coding-DNA position 4218, C replaced by A.
Protein change: p.Asp1406Glu; replaces aspartic acid 1406 with glutamic acid.
Molecular consequence: missense variant. On other transcripts: non-coding transcript variant (5).
Genome position (GRCh38, 1-based): chr16:2,084,440, C>A. VCF-style: chr16-2084440-C-A. GRCh37 (hg19) VCF-style: chr16-2134441-C-A.
Other names: c.3420C>A, p.Asp1140Glu (NM_001406686.1, NM_001406685.1); c.3417C>A, p.Asp1139Glu (NM_001406687.1, NM_001406688.1); c.2805C>A, p.Asp935Glu (NM_001406689.1); c.2745C>A, p.Asp915Glu (NM_001406690.1); c.2742C>A, p.Asp914Glu (NM_001406691.1); c.2676C>A, p.Asp892Glu (NM_001406692.1, NM_001406693.1, NM_001406694.1); c.2673C>A, p.Asp891Glu (NM_001406695.1, NM_001406696.1, NM_001406697.1); c.4017C>A, p.Asp1339Glu (NM_001077183.3); and 26 more; short protein forms D1139E, D1140E, D1162E, D1182E, D1183E, D1186E, D1206E, D1290E.
Identifiers: ClinVar variation 4802882 (VCV004802882.1).